The following is an entry in ClinVar:

NM_000051.4(ATM):c.497-3A>T

Gene: ATM (ATM serine/threonine kinase; plus strand). Cytogenetic location: 11q22.3.
Variant type: single nucleotide variant.
Coding change: c.497-3A>T on transcript NM_000051.4 (MANE Select); 3 bases into the intron before coding-DNA position 497, A replaced by T.
Molecular consequence: intron variant.
Genome position (GRCh38, 1-based): chr11:108,243,950, A>T. VCF-style: chr11-108243950-A-T. GRCh37 (hg19) VCF-style: chr11-108114677-A-T.
Other names: c.497-3A>T (NM_001351834.2).
Identifiers: ClinVar variation 478921 (VCV000478921.6), dbSNP rs1046559213, ClinGen allele CA658656166.

ClinVar aggregate classification (germline): Uncertain significance (1 of 4 stars; one submission).

Conditions:
Hereditary cancer-predisposing syndrome. Also called: Neoplastic Syndromes, Hereditary; Hereditary Cancer Syndrome; Hereditary neoplastic syndrome; Tumor predisposition. Identifiers: Orphanet 140162, MedGen C0027672, MeSH D009386, MONDO:0015356.

Submission:

Ambry Genetics
Classification: Uncertain significance for Hereditary cancer-predisposing syndrome. Last evaluated: 2023-05-17. Review status: criteria provided, single submitter. Criteria: Ambry Variant Classification Scheme 2023. Collection method: clinical testing. Allele origin: germline.
Comment: The c.497-3A>T intronic variant results from an A to T substitution 3 nucleotides upstream from coding exon 5 in the ATM gene. This nucleotide position is poorly conserved in available vertebrate species. In silico splice site analysis predicts that this alteration will not have any significant effect on splicing; however, direct evidence is insufficient at this time (Ambry internal data). Since supporting evidence is limited at this time, the clinical significance of this alteration remains unclear.